The following is an entry in ClinVar:

NM_000465.4(BARD1):c.377_378delinsGA (p.Asp126Gly)

Gene: BARD1 (BRCA1 associated RING domain 1; minus strand). Cytogenetic location: 2q35.
Variant type: Indel.
Coding change: c.377_378delinsGA on transcript NM_000465.4 (MANE Select); coding-DNA positions 377 to 378, AT replaced by GA.
Protein change: p.Asp126Gly; replaces aspartic acid 126 with glycine.
Molecular consequence: missense variant. On other transcripts: non-coding transcript variant (2), intron variant (3).
Genome position (GRCh38, 1-based): chr2:214,781,496-214,781,497, AT replaced by TC on the plus strand (AT replaced by GA on the coding strand, the reverse complement: BARD1 is on the minus strand). VCF-style: chr2-214781496-AT-TC. GRCh37 (hg19) VCF-style: chr2-215646220-AT-TC.
Other names: c.320_321delinsGA, p.Asp107Gly (NM_001282543.2); c.158+27915_158+27916delinsGA (NM_001282548.2); c.215+15564_215+15565delinsGA (NM_001282545.2); c.364+10800_364+10801delinsGA (NM_001282549.2); short protein forms D126G, D107G.
Identifiers: ClinVar variation 1734757 (VCV001734757.2), dbSNP rs2469514716, ClinGen allele CA2580065723.

ClinVar aggregate classification (germline): Uncertain significance (1 of 4 stars; one submission).

Conditions:
Hereditary cancer-predisposing syndrome. Also called: Neoplastic Syndromes, Hereditary; Tumor predisposition; Hereditary Cancer Syndrome; Hereditary neoplastic syndrome. Identifiers: Orphanet 140162, MedGen C0027672, MeSH D009386, MONDO:0015356.

Submission:

Ambry Genetics
Classification: Uncertain significance for Hereditary cancer-predisposing syndrome. Last evaluated: 2020-09-28. Review status: criteria provided, single submitter. Criteria: Ambry Variant Classification Scheme 2023. Collection method: clinical testing. Allele origin: germline.
Comment: The c.377_378delATinsGA variant, located in coding exon 4 of the BARD1 gene, results from an in-frame deletion of AT and insertion of GA at nucleotide positions 377 to 378. This results in the substitution of the aspartic acid residue for a glycine residue at codon 126, an amino acid with similar properties. This amino acid position is not well conserved in available vertebrate species. In addition, this alteration is predicted to be neutral by in silico analysis (Choi Y et al. PLoS ONE. 2012; 7(10):e46688). Since supporting evidence is limited at this time, the clinical significance of this alteration remains unclear.